The following is an entry in ClinVar:

ClinVar aggregate classification (germline): Likely benign (0 of 4 stars; one submission).

Conditions:
CAPN12-related disorder. Also called: CAPN12-related condition.

Allele frequency attached by ClinVar (database versions not stated): TOPMed 0.00002; gnomAD 0.00005; gnomAD exomes 0.00007; ExAC 0.00010.
gnomAD v4.1: 100 of 1,550,922 alleles (0.0064%); highest among the groups gnomAD compares: Middle Eastern, 0.017%; no homozygotes.

Submission:

PreventionGenetics, part of Exact Sciences
Classification: Likely benign for CAPN12-related condition. Last evaluated: 2019-07-15. Review status: no assertion criteria provided. Collection method: clinical testing. Allele origin: germline.
Comment: This variant is classified as likely benign based on ACMG/AMP sequence variant interpretation guidelines (Richards et al. 2015 PMID: 25741868, with internal and published modifications).

NM_144691.4(CAPN12):c.*7C>T

Genes: ACTN4 (actinin alpha 4; plus strand), CAPN12 (calpain 12; minus strand). Cytogenetic location: 19q13.2.
Variant type: single nucleotide variant.
Coding change: c.*7C>T on transcript NM_144691.4 (MANE Select); 7 bases downstream of the stop codon, C replaced by T.
Molecular consequence: 3 prime UTR variant.
Genome position (GRCh38, 1-based): chr19:38,730,845, G>A on the plus strand (C>T on the coding strand, the complement: CAPN12 is on the minus strand). VCF-style: chr19-38730845-G-A. GRCh37 (hg19) VCF-style: chr19-39221485-G-A.
Other names: c.*1413G>A (NM_001322033.2, NM_001411143.1, NM_004924.6).
Identifiers: ClinVar variation 3049749 (VCV003049749.2), dbSNP rs778223713, ClinGen allele CA9418206.